The following is an entry in ClinVar:

NM_001394062.1(MACF1):c.3450-7C>G

Gene: MACF1 (microtubule actin crosslinking factor 1; plus strand). Cytogenetic location: 1p34.3.
Variant type: single nucleotide variant.
Coding change: c.3450-7C>G on transcript NM_001394062.1 (MANE Select); 7 bases into the intron before coding-DNA position 3450, C replaced by G.
Molecular consequence: intron variant.
Genome position (GRCh38, 1-based): chr1:39,316,384, C>G. VCF-style: chr1-39316384-C-G. GRCh37 (hg19) VCF-style: chr1-39782056-C-G.
Other names: c.3465-7C>G (NM_012090.5).
Identifiers: ClinVar variation 931110 (VCV000931110.3), dbSNP rs1646412588, ClinGen allele CA1000801303.
Genomic context (GRCh38, chr1:39,316,384, plus strand): 5'-TCCAGGTATATAACCCTGGCTCCTAAAATTCATGTGTTAATGAAGGAATGTGTATTTGTC[C>G]CCACAGGTTAAAGACAGTTGATGTTATAGTACGTAGCATACAGGATGCTGAACTCTTGGT-3'

ClinVar aggregate classification (germline): Uncertain significance (1 of 4 stars; one submission).

Conditions:
Lissencephaly 9 with complex brainstem malformation. Identifiers: Orphanet 572013, MedGen C5193029, MONDO:0032677, OMIM 618325.

Allele frequency attached by ClinVar (database versions not stated): TOPMed below 0.00001; gnomAD 0.00001.
gnomAD v4.1: 1 of 1,598,936 alleles (0.000063%); highest among the groups gnomAD compares: Non-Finnish European, 0.000085%; no homozygotes.

Submission:

Centre for Mendelian Genomics, University Medical Centre Ljubljana
Classification: Uncertain significance for Lissencephaly 9 with complex brainstem malformation. Last evaluated: 2019-06-03. Review status: criteria provided, single submitter. Criteria: ACMG Guidelines, 2015. Collection method: clinical testing. Allele origin: unknown. Affected: yes.
Comment: This variant was classified as: Uncertain significance. The available evidence on this variant's pathogenicity is insufficient or conflicting. The following ACMG criteria were applied in classifying this variant: PM2.